The following is an entry in ClinVar:

ClinVar aggregate classification (germline): Likely pathogenic (1 of 4 stars; one submission).

Conditions:
Intellectual developmental disorder with dysmorphic facies, seizures, and distal limb anomalies (IDDFSDA). Identifiers: Orphanet 505237, MedGen C4479520, MONDO:0044319, OMIM 617452.

Submission:

Cytogenetique et Genetique Moleculaire, CHU Besancon
Classification: Likely pathogenic for Intellectual developmental disorder with dysmorphic facies, seizures, and distal limb anomalies. Last evaluated: 2022-07-04. Review status: criteria provided, single submitter. Criteria: ACMG Guidelines 2015. Collection method: clinical testing. Allele origin: inherited. Inheritance: Autosomal recessive inheritance. Affected: yes. Observed: 1 variant allele.

Literature cited by the submitters: PubMed 28343629.

NM_016023.5(OTUD6B):c.401A>G (p.Glu134Gly)

Gene: OTUD6B (OTU deubiquitinase 6B; plus strand). Cytogenetic location: 8q21.3.
Variant type: single nucleotide variant.
Coding change: c.401A>G on transcript NM_016023.5 (MANE Select); coding-DNA position 401, A replaced by G.
Protein change: p.Glu134Gly; replaces glutamic acid 134 with glycine.
Molecular consequence: missense variant.
Genome position (GRCh38, 1-based): chr8:91,078,441, A>G. VCF-style: chr8-91078441-A-G. GRCh37 (hg19) VCF-style: chr8-92090669-A-G.
Other names: c.98A>G, p.Glu33Gly (NM_001286745.3); short protein forms E134G, E33G.
Identifiers: ClinVar variation 1810274 (VCV001810274.2), dbSNP rs2488421311, ClinGen allele CA371660613.